The following is an entry in ClinVar:

NM_015346.4(ZFYVE26):c.4369T>A (p.Cys1457Ser)

Gene: ZFYVE26 (zinc finger FYVE-type containing 26; minus strand). Cytogenetic location: 14q24.1.
Variant type: single nucleotide variant.
Coding change: c.4369T>A on transcript NM_015346.4 (MANE Select); coding-DNA position 4369, T replaced by A.
Protein change: p.Cys1457Ser; replaces cysteine 1457 with serine.
Molecular consequence: missense variant.
Genome position (GRCh38, 1-based): chr14:67,782,783, A>T on the plus strand (T>A on the coding strand, the complement: ZFYVE26 is on the minus strand). VCF-style: chr14-67782783-A-T. GRCh37 (hg19) VCF-style: chr14-68249500-A-T.
Other names: short protein forms C1457S.
Identifiers: ClinVar variation 1472825 (VCV001472825.6), dbSNP rs2039534702, ClinGen allele CA390169967.

ClinVar aggregate classification (germline): Uncertain significance (1 of 4 stars; one submission).

Conditions:
Spastic paraplegia. Identifiers: MedGen C0037772, HP:0001258.

Submission:

Labcorp Genetics (formerly Invitae), Labcorp
Classification: Uncertain significance for Spastic paraplegia. Last evaluated: 2022-08-31. Review status: criteria provided, single submitter. Criteria: Invitae Variant Classification Sherloc (09022015). Collection method: clinical testing. Allele origin: germline.
Comment: In summary, the available evidence is currently insufficient to determine the role of this variant in disease. Therefore, it has been classified as a Variant of Uncertain Significance. Algorithms developed to predict the effect of missense changes on protein structure and function output the following: SIFT: "Tolerated"; PolyPhen-2: "Benign"; Align-GVGD: "Class C0". The serine amino acid residue is found in multiple mammalian species, which suggests that this missense change does not adversely affect protein function. ClinVar contains an entry for this variant (Variation ID: 1472825). This variant has not been reported in the literature in individuals affected with ZFYVE26-related conditions. This variant is not present in population databases (gnomAD no frequency). This sequence change replaces cysteine, which is neutral and slightly polar, with serine, which is neutral and polar, at codon 1457 of the ZFYVE26 protein (p.Cys1457Ser).